The following is an entry in ClinVar:

NM_001384474.1(LOXHD1):c.3236A>G (p.Tyr1079Cys)

Gene: LOXHD1 (lipoxygenase homology PLAT domains 1; minus strand). Cytogenetic location: 18q21.1.
Variant type: single nucleotide variant.
Coding change: c.3236A>G on transcript NM_001384474.1 (MANE Select); coding-DNA position 3236, A replaced by G.
Protein change: p.Tyr1079Cys; replaces tyrosine 1079 with cysteine.
Molecular consequence: missense variant. On other transcripts: 5 prime UTR variant (1).
Genome position (GRCh38, 1-based): chr18:46,557,470, T>C on the plus strand (A>G on the coding strand, the complement: LOXHD1 is on the minus strand). VCF-style: chr18-46557470-T-C. GRCh37 (hg19) VCF-style: chr18-44137433-T-C.
Other names: c.-98A>G (NM_001145472.3); c.3236A>G, p.Tyr1079Cys (NM_144612.7); short protein forms Y1079C.
Identifiers: ClinVar variation 326849 (VCV000326849.10), dbSNP rs367863703, ClinGen allele CA8952523.

ClinVar aggregate classification (germline): Conflicting classifications of pathogenicity. Review status: criteria provided, conflicting classifications (1 of 4 stars). 5 submissions from 5 submitters: Uncertain significance (4); Benign (1). Last evaluated 2026-09-14.

Conditions:
LOXHD1-related disorder. Also called: LOXHD1-related condition.
Inborn genetic diseases. Identifiers: MedGen C0950123, MeSH D030342.
Autosomal recessive nonsyndromic hearing loss 77. Identifiers: Orphanet 90636, MedGen C2746083, MONDO:0013119, OMIM 613079.

Allele frequency attached by ClinVar (database versions not stated): ExAC 0.00004; gnomAD exomes 0.00004 and 0.00019; TOPMed 0.00009; gnomAD 0.00011 and 0.00012; ESP Exome Variant Server 0.00022.
gnomAD v4.1: 271 of 1,551,804 alleles (0.017%); highest among the groups gnomAD compares: Non-Finnish European, 0.022%; no homozygotes.

Submissions (5):

PreventionGenetics, part of Exact Sciences
Classification: Benign for LOXHD1-related condition. Last evaluated: 2026-09-14. Review status: criteria provided, single submitter. Criteria: ACMG Guidelines, 2015. Collection method: clinical testing. Allele origin: germline.
Comment: This variant is classified as benign based on ACMG/AMP sequence variant interpretation guidelines (Richards et al. 2015 PMID: 25741868, with internal and published modifications).

Ambry Genetics
Classification: Uncertain significance for Inborn genetic diseases. Last evaluated: 2024-12-02. Review status: criteria provided, single submitter. Criteria: Ambry Variant Classification Scheme 2023. Collection method: clinical testing. Allele origin: germline.

Blueprint Genetics
Classification: Uncertain significance. Last evaluated: 2024-01-31. Review status: criteria provided, single submitter. Criteria: ACMG Guidelines, 2015. Collection method: clinical testing. Allele origin: germline.

Labcorp Genetics (formerly Invitae), Labcorp
Classification: Uncertain significance. Last evaluated: 2022-10-04. Review status: criteria provided, single submitter. Criteria: Invitae Variant Classification Sherloc (09022015). Collection method: clinical testing. Allele origin: germline.
Comment: This sequence change replaces tyrosine, which is neutral and polar, with cysteine, which is neutral and slightly polar, at codon 1079 of the LOXHD1 protein (p.Tyr1079Cys). This variant is present in population databases (rs367863703, gnomAD 0.009%). This variant has not been reported in the literature in individuals affected with LOXHD1-related conditions. ClinVar contains an entry for this variant (Variation ID: 326849). Algorithms developed to predict the effect of missense changes on protein structure and function (SIFT, PolyPhen-2, Align-GVGD) all suggest that this variant is likely to be tolerated. In summary, the available evidence is currently insufficient to determine the role of this variant in disease. Therefore, it has been classified as a Variant of Uncertain Significance.

Illumina Laboratory Services, Illumina
Classification: Uncertain significance for Autosomal recessive nonsyndromic hearing loss 77. Last evaluated: 2018-01-13. Review status: criteria provided, single submitter. Criteria: ICSL Variant Classification Criteria 13 December 2019. Collection method: clinical testing. Allele origin: germline.